The following is an entry in ClinVar:

ClinVar aggregate classification (germline): Uncertain significance (1 of 4 stars; one submission).

Submission:

CeGaT Center for Human Genetics Tuebingen
Classification: Uncertain significance. Last evaluated: 2026-08-01. Review status: criteria provided, single submitter. Criteria: CeGaT Center For Human Genetics Tuebingen Variant Classification Criteria Version 2. Collection method: clinical testing. Allele origin: germline. Affected: yes. Observed: 1 variant allele.
Comment: BPTF: PM2, PS2:Supporting, BP4

NM_182641.4(BPTF):c.7021G>T (p.Val2341Phe)

Gene: BPTF (bromodomain PHD finger transcription factor; plus strand). Cytogenetic location: 17q24.2.
Variant type: single nucleotide variant.
Coding change: c.7021G>T on transcript NM_182641.4 (MANE Select); coding-DNA position 7021, G replaced by T.
Protein change: p.Val2341Phe; replaces valine 2341 with phenylalanine.
Molecular consequence: missense variant.
Genome position (GRCh38, 1-based): chr17:67,945,729, G>T. VCF-style: chr17-67945729-G-T. GRCh37 (hg19) VCF-style: chr17-65941845-G-T.
Other names: c.7210G>T, p.Val2404Phe (NM_001439139.1, NM_001439143.1, NM_001439144.1); c.7399G>T, p.Val2467Phe (NM_001439140.1, NM_001439142.1, NM_004459.7); c.7372G>T, p.Val2458Phe (NM_001439141.1); short protein forms V2341F, V2404F, V2458F, V2467F.
Identifiers: ClinVar variation 5040359 (VCV005040359.1).